The following is an entry in ClinVar:

NM_145290.4(ADGRA3):c.2391G>C (p.Met797Ile)

Gene: ADGRA3 (adhesion G protein-coupled receptor A3; minus strand). Cytogenetic location: 4p15.2.
Variant type: single nucleotide variant.
Coding change: c.2391G>C on transcript NM_145290.4 (MANE Select); coding-DNA position 2391, G replaced by C.
Protein change: p.Met797Ile; replaces methionine 797 with isoleucine.
Molecular consequence: missense variant.
Genome position (GRCh38, 1-based): chr4:22,401,521, C>G on the plus strand (G>C on the coding strand, the complement: ADGRA3 is on the minus strand). VCF-style: chr4-22401521-C-G. GRCh37 (hg19) VCF-style: chr4-22403144-C-G.
Other names: short protein forms M797I.
Identifiers: ClinVar variation 1053458 (VCV001053458.9), dbSNP rs772026749, ClinGen allele CA356476960.

ClinVar aggregate classification (germline): Uncertain significance (1 of 4 stars; one submission).

gnomAD v4.1: 2 of 1,609,644 alleles (0.00012%); highest among the groups gnomAD compares: East Asian, 0.0022%; no homozygotes.

Submission:

Labcorp Genetics (formerly Invitae), Labcorp
Classification: Uncertain significance. Last evaluated: 2022-02-03. Review status: criteria provided, single submitter. Criteria: Invitae Variant Classification Sherloc (09022015). Collection method: clinical testing. Allele origin: germline.
Comment: In summary, the available evidence is currently insufficient to determine the role of this variant in disease. Therefore, it has been classified as a Variant of Uncertain Significance. Algorithms developed to predict the effect of missense changes on protein structure and function are either unavailable or do not agree on the potential impact of this missense change (SIFT: "Tolerated"; PolyPhen-2: "Probably Damaging"; Align-GVGD: "Class C0"). ClinVar contains an entry for this variant (Variation ID: 1053458). This variant has not been reported in the literature in individuals affected with ADGRA3-related conditions. This variant is not present in population databases (gnomAD no frequency). This sequence change replaces methionine, which is neutral and non-polar, with isoleucine, which is neutral and non-polar, at codon 797 of the ADGRA3 protein (p.Met797Ile).